The following is an entry in ClinVar:

ClinVar aggregate classification (germline): Uncertain significance (1 of 4 stars; one submission).

Conditions:
Cardiovascular phenotype. Identifiers: MedGen CN230736.

Submission:

Ambry Genetics
Classification: Uncertain significance for Cardiovascular phenotype. Last evaluated: 2025-02-22. Review status: criteria provided, single submitter. Criteria: Ambry Variant Classification Scheme 2023. Collection method: clinical testing. Allele origin: germline.
Comment: The p.L21P variant (also known as c.62T>C), located in coding exon 1 of the KCNE3 gene, results from a T to C substitution at nucleotide position 62. The leucine at codon 21 is replaced by proline, an amino acid with similar properties. This amino acid position is conserved. In addition, this alteration is predicted to be deleterious by in silico analysis. Based on the available evidence, the clinical significance of this variant remains unclear.

NM_005472.5(KCNE3):c.62T>C (p.Leu21Pro)

Gene: KCNE3 (potassium voltage-gated channel subfamily E regulatory subunit 3; minus strand). Cytogenetic location: 11q13.4.
Variant type: single nucleotide variant.
Coding change: c.62T>C on transcript NM_005472.5 (MANE Select); coding-DNA position 62, T replaced by C.
Protein change: p.Leu21Pro; replaces leucine 21 with proline.
Molecular consequence: missense variant.
Genome position (GRCh38, 1-based): chr11:74,457,502, A>G on the plus strand (T>C on the coding strand, the complement: KCNE3 is on the minus strand). VCF-style: chr11-74457502-A-G. GRCh37 (hg19) VCF-style: chr11-74168547-A-G.
Other names: short protein forms L21P.
Identifiers: ClinVar variation 3862718 (VCV003862718.1).